The following is an entry in ClinVar:

NM_017757.3(ZNF407):c.6055G>A (p.Val2019Met)

Gene: ZNF407 (zinc finger protein 407; plus strand). Cytogenetic location: 18q22.3.
Variant type: single nucleotide variant.
Coding change: c.6055G>A on transcript NM_017757.3 (MANE Select); coding-DNA position 6055, G replaced by A.
Protein change: p.Val2019Met; replaces valine 2019 with methionine.
Molecular consequence: missense variant.
Genome position (GRCh38, 1-based): chr18:75,063,776, G>A. VCF-style: chr18-75063776-G-A. GRCh37 (hg19) VCF-style: chr18-72775732-G-A.
Other names: c.6055G>A, p.Val2019Met (NM_001384475.1); short protein forms V2019M.
Identifiers: ClinVar variation 3047201 (VCV003047201.2), dbSNP rs759593552, ClinGen allele CA9001282.

ClinVar aggregate classification (germline): Likely benign (0 of 4 stars; one submission).

Conditions:
ZNF407-related disorder. Also called: ZNF407-related condition.

gnomAD v4.1: 192 of 1,610,440 alleles (0.012%); highest among the groups gnomAD compares: South Asian, 0.15%; 1 homozygote.

Submission:

PreventionGenetics, part of Exact Sciences
Classification: Likely benign for ZNF407-related condition. Last evaluated: 2023-07-20. Review status: no assertion criteria provided. Collection method: clinical testing. Allele origin: germline.
Comment: This variant is classified as likely benign based on ACMG/AMP sequence variant interpretation guidelines (Richards et al. 2015 PMID: 25741868, with internal and published modifications).